The following is an entry in ClinVar:

NM_007294.4(BRCA1):c.441+1383T>A

Gene: BRCA1 (BRCA1 DNA repair associated; minus strand). Cytogenetic location: 17q21.31.
Variant type: single nucleotide variant.
Coding change: c.441+1383T>A on transcript NM_007294.4 (MANE Select); 1383 bases into the intron after coding-DNA position 441, T replaced by A.
Molecular consequence: intron variant.
Genome position (GRCh38, 1-based): chr17:43,102,739, A>T on the plus strand (T>A on the coding strand, the complement: BRCA1 is on the minus strand). VCF-style: chr17-43102739-A-T. GRCh37 (hg19) VCF-style: chr17-41254756-A-T.
Other names: c.60+1383T>A (NM_001407963.1, NM_001407960.1, NM_001407965.1 and 4 more transcripts); c.300+1383T>A (NM_001408511.1, NM_001408457.1, NM_001407692.1 and 99 more transcripts); c.231+1383T>A (NM_001407899.1, NM_001408507.1, NM_001407958.1 and 58 more transcripts); c.441+1383T>A (NM_001408495.1, NM_001408448.1, NM_001408421.1 and 164 more transcripts); c.363+1383T>A (NM_001408413.1, NM_001407660.1, NM_001407661.1 and 21 more transcripts); c.432+1383T>A (NM_001407646.1, NM_001408408.1, NM_001407647.1); c.-218-7879T>A (NM_001407967.1, NM_001407966.1); c.309+1383T>A (NM_001408451.1).
Identifiers: ClinVar variation 264805 (VCV000264805.2), dbSNP rs537597375, ClinGen allele CA10588236.

ClinVar aggregate classification (germline): Benign (3 of 4 stars; one submission).

Conditions:
Breast-ovarian cancer, familial, susceptibility to, 1 (BROVCA1). Also called: BRCA1 Hereditary Breast and Ovarian Cancer; OVARIAN CANCER, SUSCEPTIBILITY TO. Identifiers: Orphanet 145, MedGen C2676676, MONDO:0011450, OMIM 604370. Disease mechanism: loss of function.

Allele frequency attached by ClinVar (database versions not stated): 1000 Genomes Project 0.00379; gnomAD 0.00402 and 0.00430; 1000 Genomes Project 30x 0.00422; TOPMed 0.00438.
gnomAD v4.1: 597 of 151,166 alleles (0.39%); highest among the groups gnomAD compares: African/African-American, 1.4%; 5 homozygotes.

Submission:

Evidence-based Network for the Interpretation of Germline Mutant Alleles (ENIGMA)
Classification: Benign for Breast-ovarian cancer, familial, susceptibility to, 1. Last evaluated: 2016-09-28. Review status: reviewed by expert panel. Criteria: ENIGMA BRCA1/2 Classification Criteria (2015). Collection method: curation. Allele origin: germline.
Comment: Class 1 not pathogenic based on frequency >1% in an outbred sampleset. Frequency 0.0144 (African), derived from 1000 genomes (2013-05-02).